The following is an entry in ClinVar:

ClinVar aggregate classification (germline): Uncertain significance (1 of 4 stars; one submission).

Conditions:
Renal carnitine transport defect (CDSP). Also called: Carnitine transporter deficiency; Carnitine Deficiency, Systemic; Primary carnitine deficiency; Systemic primary carnitine deficiency; Systemic primary carnitine deficiency disease; CARNITINE DEFICIENCY, SYSTEMIC, DUE TO DEFECT IN RENAL REABSORPTION OF CARNITINE. Identifiers: Orphanet 158, MedGen C0342788, MONDO:0008919, OMIM 212140.

Submission:

Labcorp Genetics (formerly Invitae), Labcorp
Classification: Uncertain significance for Renal carnitine transport defect. Last evaluated: 2025-05-27. Review status: criteria provided, single submitter. Criteria: Invitae Variant Classification Sherloc (09022015). Collection method: clinical testing. Allele origin: germline.
Comment: This sequence change replaces alanine, which is neutral and non-polar, with valine, which is neutral and non-polar, at codon 272 of the SLC22A5 protein (p.Ala272Val). This variant is not present in population databases (gnomAD no frequency). This variant has not been reported in the literature in individuals affected with SLC22A5-related conditions. ClinVar contains an entry for this variant (Variation ID: 2088028). Invitae Evidence Modeling of protein sequence and biophysical properties (such as structural, functional, and spatial information, amino acid conservation, physicochemical variation, residue mobility, and thermodynamic stability) indicates that this missense variant is not expected to disrupt SLC22A5 protein function with a negative predictive value of 95%. In summary, the available evidence is currently insufficient to determine the role of this variant in disease. Therefore, it has been classified as a Variant of Uncertain Significance.

NM_003060.4(SLC22A5):c.815C>T (p.Ala272Val)

Gene: SLC22A5 (solute carrier family 22 member 5; plus strand). Cytogenetic location: 5q31.1.
Variant type: single nucleotide variant.
Coding change: c.815C>T on transcript NM_003060.4 (MANE Select); coding-DNA position 815, C replaced by T.
Protein change: p.Ala272Val; replaces alanine 272 with valine.
Molecular consequence: missense variant.
Genome position (GRCh38, 1-based): chr5:132,385,490, C>T. VCF-style: chr5-132385490-C-T. GRCh37 (hg19) VCF-style: chr5-131721182-C-T.
Other names: c.887C>T, p.Ala296Val (NM_001308122.2); short protein forms A296V, A272V.
Identifiers: ClinVar variation 2088028 (VCV002088028.4), dbSNP rs2532120903, ClinGen allele CA360805260.